The following is an entry in ClinVar:

ClinVar aggregate classification (germline): Benign. Review status: criteria provided, multiple submitters, no conflicts (2 of 4 stars). 2 submissions from 2 submitters: Benign (2). Last evaluated 2018-01-13.

Conditions:
Griscelli syndrome type 2 (GS2). Also called: GRISCELLI SYNDROME WITH HEMOPHAGOCYTIC SYNDROME; PAID SYNDROME; PARTIAL ALBINISM AND IMMUNODEFICIENCY SYNDROME. Identifiers: Orphanet 381, Orphanet 79477, MedGen C1868679, MONDO:0011872, OMIM 607624.

Allele frequency attached by ClinVar (database versions not stated): gnomAD 0.32152 and 0.33294; 1000 Genomes Project 0.32668; 1000 Genomes Project 30x 0.33401; TOPMed 0.33777.

Submissions (2):

Illumina Laboratory Services, Illumina
Classification: Benign for Griscelli syndrome type 2. Last evaluated: 2018-01-13. Review status: criteria provided, single submitter. Criteria: ICSL Variant Classification Criteria 13 December 2019. Collection method: clinical testing. Allele origin: germline.
Comment: This variant was observed in the ICSL laboratory as part of a predisposition screen in an ostensibly healthy population. It had not been previously curated by ICSL or reported in the Human Gene Mutation Database (HGMD: prior to June 1st, 2018), and was therefore a candidate for classification through an automated scoring system. Utilizing variant allele frequency, disease prevalence and penetrance estimates, and inheritance mode, an automated score was calculated to assess if this variant is too frequent to cause the disease. Based on the score and internal cut-off values, a variant classified as benign is not then subjected to further curation. The score for this variant resulted in a classification of benign for this disease.

Breakthrough Genomics
Classification: Benign. Review status: criteria provided, single submitter. Criteria: ACMG Guidelines, 2015. Collection method: not provided. Allele origin: germline. Inheritance: Autosomal recessive inheritance. Affected: yes.

NM_183235.3(RAB27A):c.*852C>T

Gene: RAB27A (RAB27A, member RAS oncogene family; minus strand). Cytogenetic location: 15q21.3.
Variant type: single nucleotide variant.
Coding change: c.*852C>T on transcript NM_183235.3 (MANE Select); 852 bases downstream of the stop codon, C replaced by T.
Molecular consequence: 3 prime UTR variant.
Genome position (GRCh38, 1-based): chr15:55,204,655, G>A on the plus strand (C>T on the coding strand, the complement: RAB27A is on the minus strand). VCF-style: chr15-55204655-G-A. GRCh37 (hg19) VCF-style: chr15-55496853-G-A.
Other names: c.*852C>T (NM_004580.5, NM_183234.3, NM_183236.3).
Identifiers: ClinVar variation 316636 (VCV000316636.6), dbSNP rs3179664, ClinGen allele CA10636294.